The following is an entry in ClinVar:

ClinVar aggregate classification (germline): Uncertain significance (1 of 4 stars; one submission).

Conditions:
Intellectual developmental disorder, X-linked, syndromic, Hedera type. Also called: Syndromic X-linked intellectual disability Hedera type. Identifiers: Orphanet 93952, MedGen C1845543, MONDO:0010319, OMIM 300423.

Submission:

Labcorp Genetics (formerly Invitae), Labcorp
Classification: Uncertain significance for Intellectual developmental disorder, X-linked, syndromic, Hedera type. Last evaluated: 2024-07-14. Review status: criteria provided, single submitter. Criteria: Invitae Variant Classification Sherloc (09022015). Collection method: clinical testing. Allele origin: germline.
Comment: This sequence change replaces aspartic acid, which is acidic and polar, with glycine, which is neutral and non-polar, at codon 210 of the ATP6AP2 protein (p.Asp210Gly). This variant is not present in population databases (gnomAD no frequency). This variant has not been reported in the literature in individuals affected with ATP6AP2-related conditions. Advanced modeling of protein sequence and biophysical properties (such as structural, functional, and spatial information, amino acid conservation, physicochemical variation, residue mobility, and thermodynamic stability) performed at Invitae indicates that this missense variant is expected to disrupt ATP6AP2 protein function with a positive predictive value of 80%. In summary, the available evidence is currently insufficient to determine the role of this variant in disease. Therefore, it has been classified as a Variant of Uncertain Significance.

NM_005765.3(ATP6AP2):c.629A>G (p.Asp210Gly)

Gene: ATP6AP2 (ATPase H+ transporting accessory protein 2; plus strand). Cytogenetic location: Xp11.4.
Variant type: single nucleotide variant.
Coding change: c.629A>G on transcript NM_005765.3 (MANE Select); coding-DNA position 629, A replaced by G.
Protein change: p.Asp210Gly; replaces aspartic acid 210 with glycine.
Molecular consequence: missense variant.
Genome position (GRCh38, 1-based): chrX:40,599,632, A>G. VCF-style: chrX-40599632-A-G. GRCh37 (hg19) VCF-style: chrX-40458884-A-G.
Other names: short protein forms D210G.
Identifiers: ClinVar variation 3659485 (VCV003659485.2).
Genomic context (GRCh38, chrX:40,599,632, plus strand): 5'-TGTTTGTTTGTTCTCCTAAGCTGTCTCGTCATAAGCATCTAGCCAAGGATCATTCTCCTG[A>G]TTTATATTCACTGGAGCTGGCAGGTTTGGATGAAATTGGGAAGCGTTATGGGGAAGACTC-3'
Protein context (NP_005756.2, residues 200-220): HKHLAKDHSP[Asp210Gly]LYSLELAGLD